The following is an entry in ClinVar:

NM_001371928.1(AHDC1):c.4219G>C (p.Gly1407Arg)

Gene: AHDC1 (AT-hook DNA binding motif containing 1; minus strand). Cytogenetic location: 1p36.11.
Variant type: single nucleotide variant.
Coding change: c.4219G>C on transcript NM_001371928.1 (MANE Select); coding-DNA position 4219, G replaced by C.
Protein change: p.Gly1407Arg; replaces glycine 1407 with arginine.
Molecular consequence: missense variant.
Genome position (GRCh38, 1-based): chr1:27,547,897, C>G on the plus strand (G>C on the coding strand, the complement: AHDC1 is on the minus strand). VCF-style: chr1-27547897-C-G. GRCh37 (hg19) VCF-style: chr1-27874408-C-G.
Other names: c.4219G>C, p.Gly1407Arg (NM_001029882.3); short protein forms G1407R.
Identifiers: ClinVar variation 5040061 (VCV005040061.1).
Genomic context (GRCh38, chr1:27,547,897, plus strand): 5'-GCTTGAGGGGCTCGCAGGCAGCCAGCTTTGTGGGCGGTGGCCGCAGCTCTTCCTTGAAGC[C>G]CAGTGTAGGCGAGCAGGTGGGCGAGTATGCCTTCTGCAGGCCGGCGTCAAACACCGTGGG-3'
Protein context (NP_001358857.1, residues 1397-1417): AYSPTCSPTL[Gly1407Arg]FKEELRPPPT

ClinVar aggregate classification (germline): Uncertain significance (1 of 4 stars; one submission).

Submission:

CeGaT Center for Human Genetics Tuebingen
Classification: Uncertain significance. Last evaluated: 2026-07-01. Review status: criteria provided, single submitter. Criteria: CeGaT Center For Human Genetics Tuebingen Variant Classification Criteria Version 2. Collection method: clinical testing. Allele origin: germline. Affected: yes. Observed: 1 variant allele.
Comment: AHDC1: PM2